The following is an entry in ClinVar:

NM_004525.3(LRP2):c.2489C>T (p.Ser830Leu)

Gene: LRP2 (LDL receptor related protein 2; minus strand). Cytogenetic location: 2q31.1.
Variant type: single nucleotide variant.
Coding change: c.2489C>T on transcript NM_004525.3 (MANE Select); coding-DNA position 2489, C replaced by T.
Protein change: p.Ser830Leu; replaces serine 830 with leucine.
Molecular consequence: missense variant.
Genome position (GRCh38, 1-based): chr2:169,259,049, G>A on the plus strand (C>T on the coding strand, the complement: LRP2 is on the minus strand). VCF-style: chr2-169259049-G-A. GRCh37 (hg19) VCF-style: chr2-170115559-G-A.
Other names: c.2489C>T (NM_004525.2); short protein forms S830L.
Identifiers: ClinVar variation 1505446 (VCV001505446.9), dbSNP rs767925581, ClinGen allele CA59921066.

ClinVar aggregate classification (germline): Uncertain significance. Review status: criteria provided, multiple submitters, no conflicts (2 of 4 stars). 3 submissions from 3 submitters: Uncertain significance (3). Last evaluated 2024-11-11.

Conditions:
Donnai-Barrow syndrome. Also called: DBS/FOAR SYNDROME; FACIOOCULOACOUSTICORENAL SYNDROME. Identifiers: Orphanet 2143, MedGen C1857277, MONDO:0009104, OMIM 222448.
Inborn genetic diseases. Identifiers: MedGen C0950123, MeSH D030342.

Allele frequency attached by ClinVar (database versions not stated): TOPMed below 0.00001; gnomAD 0.00001.
gnomAD v4.1: 4 of 1,612,976 alleles (0.00025%); highest among the groups gnomAD compares: African/African-American, 0.0027%; no homozygotes.

Submissions (3):

Labcorp Genetics (formerly Invitae), Labcorp
Classification: Uncertain significance. Last evaluated: 2024-11-11. Review status: criteria provided, single submitter. Criteria: Invitae Variant Classification Sherloc (09022015). Collection method: clinical testing. Allele origin: germline.
Comment: This sequence change replaces serine, which is neutral and polar, with leucine, which is neutral and non-polar, at codon 830 of the LRP2 protein (p.Ser830Leu). This variant is present in population databases (no rsID available, gnomAD 0.01%). This variant has not been reported in the literature in individuals affected with LRP2-related conditions. ClinVar contains an entry for this variant (Variation ID: 1505446). Invitae Evidence Modeling of protein sequence and biophysical properties (such as structural, functional, and spatial information, amino acid conservation, physicochemical variation, residue mobility, and thermodynamic stability) indicates that this missense variant is expected to disrupt LRP2 protein function with a positive predictive value of 80%. In summary, the available evidence is currently insufficient to determine the role of this variant in disease. Therefore, it has been classified as a Variant of Uncertain Significance.

Ambry Genetics
Classification: Uncertain significance for Inborn genetic diseases. Last evaluated: 2023-09-20. Review status: criteria provided, single submitter. Criteria: Ambry Variant Classification Scheme 2023. Collection method: clinical testing. Allele origin: germline.

Fulgent Genetics
Classification: Uncertain significance for Donnai-Barrow syndrome. Last evaluated: 2022-03-16. Review status: criteria provided, single submitter. Criteria: ACMG Guidelines, 2015. Collection method: clinical testing. Allele origin: unknown.